The following is an entry in ClinVar:

NM_006618.5(KDM5B):c.775C>T (p.Arg259Ter)

Gene: KDM5B (lysine demethylase 5B; minus strand). Cytogenetic location: 1q32.1.
Variant type: single nucleotide variant.
Coding change: c.775C>T on transcript NM_006618.5 (MANE Select); coding-DNA position 775, C replaced by T.
Protein change: p.Arg259Ter; replaces arginine 259 with a stop codon.
Molecular consequence: nonsense.
Genome position (GRCh38, 1-based): chr1:202,764,082, G>A on the plus strand (C>T on the coding strand, the complement: KDM5B is on the minus strand). VCF-style: chr1-202764082-G-A. GRCh37 (hg19) VCF-style: chr1-202733210-G-A.
Other names: c.883C>T, p.Arg295Ter (NM_001314042.2); c.640C>T, p.Arg214Ter (NM_001347591.2); c.760C>T, p.Arg254Ter (NM_001399817.1); c.775C>T (NM_006618.3); short protein forms R214*, R254*, R259*, R295*.
Identifiers: ClinVar variation 1690558 (VCV001690558.3), dbSNP rs776299767, ClinGen allele CA1334886.

ClinVar aggregate classification (germline): Pathogenic/Likely pathogenic. Review status: criteria provided, multiple submitters, no conflicts (2 of 4 stars). 2 submissions from 2 submitters: Pathogenic (1); Likely pathogenic (1). Last evaluated 2024-12-27.

Allele frequency attached by ClinVar (database versions not stated): gnomAD exomes below 0.00001; ExAC 0.00001.
gnomAD v4.1: 3 of 1,580,878 alleles (0.00019%); highest among the groups gnomAD compares: Non-Finnish European, 0.00026%; no homozygotes.

Submissions (2):

GeneDx
Classification: Likely pathogenic. Last evaluated: 2024-12-27. Review status: criteria provided, single submitter. Criteria: GeneDx Variant Classification Process June 2021. Collection method: clinical testing. Allele origin: germline. Affected: yes.
Comment: De novo variant with confirmed parentage in a patient with a developmental disorder (PMID: 31785789); Nonsense variant predicted to result in protein truncation or nonsense mediated decay in a gene for which loss of function is a known mechanism of disease; Not observed at significant frequency in large population cohorts (gnomAD); This variant is associated with the following publications: (PMID: 28135719, 30217758, 29276005, 33057194, 35982159, 31785789, 38113761)

Laboratorio de Genetica e Diagnostico Molecular, Hospital Israelita Albert Einstein
Classification: Pathogenic. Last evaluated: 2021-02-19. Review status: criteria provided, single submitter. Criteria: ACMG Guidelines, 2015. Collection method: clinical testing. Allele origin: germline. Affected: yes.
Comment: ACMG classification criteria: PVS1, PS4, PM2